The following is an entry in ClinVar:

NM_138694.4(PKHD1):c.4436dup (p.Ile1480fs)

Gene: PKHD1 (PKHD1 ciliary IPT domain containing fibrocystin/polyductin; minus strand). Cytogenetic location: 6p12.2.
Variant type: Duplication.
Coding change: c.4436dup on transcript NM_138694.4 (MANE Select); coding-DNA position 4436, one base duplicated (T; older notation c.4436dupT).
Protein change: p.Ile1480fs; shifts the reading frame from isoleucine 1480.
Molecular consequence: frameshift variant.
Genome position (GRCh38, 1-based): chr6:52,025,374, A duplicated on the plus strand (T on the coding strand, the reverse complement: PKHD1 is on the minus strand); the first of 4 consecutive A bases (chr6:52,025,374-52,025,377); duplicating any one gives the same sequence. VCF-style (leftmost placement, unchanged base first): chr6-52025373-G-GA. GRCh37 (hg19) VCF-style: chr6-51890171-G-GA.
Other names: c.4436dup, p.Ile1480fs (NM_170724.3); short protein forms I1480fs.
Identifiers: ClinVar variation 950532 (VCV000950532.8), dbSNP rs1801998818, ClinGen allele CA1139659595.
Genomic context (GRCh38, chr6:52,025,373, plus strand): 5'-CAGAGACCCACTGGTGTTTGTGGACAAGGCATCCATGACAGGACTTGCCTCTTCCCTTAT[G>GA]AAAAGAGTGCAATTCCCCTGACACTCGCTGGTTAGCCCATTGACCAGGACTGTGACGTTC-3'

ClinVar aggregate classification (germline): Pathogenic (1 of 4 stars; one submission).

Conditions:
Autosomal recessive polycystic kidney disease (ARPKD). Also called: AR polycystic kidney disease. Identifiers: Orphanet 731, Orphanet 8378, MedGen C0085548, MeSH D017044, MONDO:0009889.

Submission:

Labcorp Genetics (formerly Invitae), Labcorp
Classification: Pathogenic for Autosomal recessive polycystic kidney disease. Last evaluated: 2019-06-25. Review status: criteria provided, single submitter. Criteria: Invitae Variant Classification Sherloc (09022015). Collection method: clinical testing. Allele origin: germline.
Comment: This sequence change creates a premature translational stop signal (p.Ile1480Hisfs*26) in the PKHD1 gene. It is expected to result in an absent or disrupted protein product. This variant is not present in population databases (ExAC no frequency). This variant has not been reported in the literature in individuals with PKHD1-related conditions. Loss-of-function variants in PKHD1 are known to be pathogenic (PMID: 19940839). For these reasons, this variant has been classified as Pathogenic.

Literature cited by the submitters: PubMed 19940839.